The following is an entry in ClinVar:

ClinVar aggregate classification (germline): Likely benign. Review status: criteria provided, multiple submitters, no conflicts (2 of 4 stars). 4 submissions from 4 submitters: Likely benign (4). Last evaluated 2025-10-14.

Conditions:
Malignant hyperthermia, susceptibility to, 1 (MHS1). Also called: RYR1-Related Malignant Hyperthermia Susceptibility; Anesthesia related hyperthermia; Malignant hyperpyrexia; Fulminating hyperpyrexia; Pharmacogenic myopathy; Malignant hyperthermia suceptibility 1. Identifiers: Orphanet 423, MedGen C2930980, MONDO:0007783, OMIM 145600.
RYR1-related disorder. Also called: RYR1-related condition; RYR1-related disorders. Identifiers: MedGen CN239331.

Allele frequency attached by ClinVar (database versions not stated): gnomAD exomes below 0.00001 and 0.00002; TOPMed below 0.00001; gnomAD 0.00001.
gnomAD v4.1: 34 of 1,613,748 alleles (0.0021%); highest among the groups gnomAD compares: Non-Finnish European, 0.0027%; no homozygotes.

Submissions (4):

PreventionGenetics, part of Exact Sciences
Classification: Likely benign for RYR1-related condition. Last evaluated: 2025-10-14. Review status: criteria provided, single submitter. Criteria: ACMG Guidelines, 2015. Collection method: clinical testing. Allele origin: germline.
Comment: This variant is classified as likely benign based on ACMG/AMP sequence variant interpretation guidelines (Richards et al. 2015 PMID: 25741868, with internal and published modifications).

Labcorp Genetics (formerly Invitae), Labcorp
Classification: Likely benign for RYR1-related disorder. Last evaluated: 2025-02-17. Review status: criteria provided, single submitter. Criteria: Invitae Variant Classification Sherloc (09022015). Collection method: clinical testing. Allele origin: germline.

All of Us Research Program, National Institutes of Health
Classification: Likely benign for Malignant hyperthermia, susceptibility to, 1. Last evaluated: 2023-09-17. Review status: criteria provided, single submitter. Criteria: ACMG Guidelines, 2015. Collection method: clinical testing. Allele origin: germline. Inheritance: Autosomal dominant inheritance. Observed: 8 variant alleles, 8 heterozygotes.
Comment: This study involves interpretation of variants in research participants for the purpose of population health screening. Participant phenotype was not available at the time of variant classification. Additional details can be found in publication PMID: 35346344, PMCID: PMC8962531

Color Diagnostics, LLC DBA Color Health
Classification: Likely benign for Malignant hyperthermia, susceptibility to, 1. Last evaluated: 2022-11-06. Review status: criteria provided, single submitter. Criteria: ACMG Guidelines, 2015. Collection method: clinical testing. Allele origin: germline.

NM_000540.3(RYR1):c.1968G>A (p.Thr656=)

Gene: RYR1 (ryanodine receptor 1; plus strand). Cytogenetic location: 19q13.2.
Variant type: single nucleotide variant.
Coding change: c.1968G>A on transcript NM_000540.3 (MANE Select); coding-DNA position 1968, G replaced by A.
Protein change: p.Thr656=; no amino-acid change (threonine 656 retained).
Molecular consequence: synonymous variant.
Genome position (GRCh38, 1-based): chr19:38,458,093, G>A. VCF-style: chr19-38458093-G-A. GRCh37 (hg19) VCF-style: chr19-38948733-G-A.
Other names: c.1968G>A, p.Thr656= (NM_001042723.2).
Identifiers: ClinVar variation 699784 (VCV000699784.12), dbSNP rs779450532, ClinGen allele CA308125717.